The following is an entry in ClinVar:

NM_001844.5(COL2A1):c.2091C>G (p.Pro697=)

Gene: COL2A1 (collagen type II alpha 1 chain; minus strand). Cytogenetic location: 12q13.11.
Variant type: single nucleotide variant.
Coding change: c.2091C>G on transcript NM_001844.5 (MANE Select); coding-DNA position 2091, C replaced by G.
Protein change: p.Pro697=; no amino-acid change (proline 697 retained).
Molecular consequence: synonymous variant.
Genome position (GRCh38, 1-based): chr12:47,983,096, G>C on the plus strand (C>G on the coding strand, the complement: COL2A1 is on the minus strand). VCF-style: chr12-47983096-G-C. GRCh37 (hg19) VCF-style: chr12-48376879-G-C.
Other names: c.1884C>G, p.Pro628= (NM_033150.3).
Identifiers: ClinVar variation 1666488 (VCV001666488.12), dbSNP rs762603514, ClinGen allele CA6535248.
Genomic context (GRCh38, chr12:47,983,096, plus strand): 5'-CATAGGACCCAGGGCAGGCCCAAGGAGGCAGCCCGCATTGGCCAACAGGATACTCACCCT[G>C]GGACCCACGAGGCCAGGGGCTCCAGCTTCACCGGGAACACCCTGGAGAACAAAGAAAGAT-3'
Protein context (NP_001835.3, residues 687-707): GEAGAPGLVG[Pro697=]RGERGFPGER

ClinVar aggregate classification (germline): Conflicting classifications of pathogenicity. Review status: criteria provided, conflicting classifications (1 of 4 stars). 3 submissions from 3 submitters: Uncertain significance (1); Likely benign (2). Last evaluated 2025-04-23.

Conditions:
COL2A1-related disorder. Also called: COL2A1-related condition; COL2A1-related disorders.
Connective tissue disorder. Also called: Connective tissue disease. Identifiers: MedGen C0009782, MONDO:0003900.

Allele frequency attached by ClinVar (database versions not stated): ExAC 0.00001; gnomAD exomes 0.00001 and 0.00003.
gnomAD v4.1: 38 of 1,613,846 alleles (0.0024%); highest among the groups gnomAD compares: Non-Finnish European, 0.0032%; no homozygotes.

Submissions (3):

Labcorp Genetics (formerly Invitae), Labcorp
Classification: Likely benign. Last evaluated: 2025-04-23. Review status: criteria provided, single submitter. Criteria: Invitae Variant Classification Sherloc (09022015). Collection method: clinical testing. Allele origin: germline.

PreventionGenetics, part of Exact Sciences
Classification: Likely benign for COL2A1-related condition. Last evaluated: 2024-10-02. Review status: criteria provided, single submitter. Criteria: ACMG Guidelines, 2015. Collection method: clinical testing. Allele origin: germline.
Comment: This variant is classified as likely benign based on ACMG/AMP sequence variant interpretation guidelines (Richards et al. 2015 PMID: 25741868, with internal and published modifications).

Genome Diagnostics Laboratory, The Hospital for Sick Children
Classification: Uncertain significance for Connective tissue disorder. Last evaluated: 2021-11-04. Review status: criteria provided, single submitter. Criteria: ACMG Guidelines, 2015. Collection method: clinical testing. Allele origin: germline.